The following is an entry in ClinVar:

NM_006341.4(MAD2L2):c.428-6C>T

Gene: MAD2L2 (mitotic arrest deficient 2 like 2; minus strand). Cytogenetic location: 1p36.22.
Variant type: single nucleotide variant.
Coding change: c.428-6C>T on transcript NM_006341.4 (MANE Select); 6 bases into the intron before coding-DNA position 428, C replaced by T.
Molecular consequence: intron variant.
Genome position (GRCh38, 1-based): chr1:11,675,737, G>A on the plus strand (C>T on the coding strand, the complement: MAD2L2 is on the minus strand). VCF-style: chr1-11675737-G-A. GRCh37 (hg19) VCF-style: chr1-11735794-G-A.
Other names: c.428-6C>T (NM_001127325.2, NM_001127325.1).
Identifiers: ClinVar variation 3701093 (VCV003701093.3).

ClinVar aggregate classification (germline): Likely benign. Review status: criteria provided, multiple submitters, no conflicts (2 of 4 stars). 2 submissions from 2 submitters: Likely benign (2). Last evaluated 2026-01-07.

Conditions:
MAD2L2-related disorder. Also called: MAD2L2-related condition.

gnomAD v4.1: 6 of 1,613,726 alleles (0.00037%); highest among the groups gnomAD compares: Non-Finnish European, 0.00034%; no homozygotes.

Submissions (2):

Labcorp Genetics (formerly Invitae), Labcorp
Classification: Likely benign. Last evaluated: 2026-01-07. Review status: criteria provided, single submitter. Criteria: Invitae Variant Classification Sherloc (09022015). Collection method: clinical testing. Allele origin: germline.

PreventionGenetics, part of Exact Sciences
Classification: Likely benign for MAD2L2-related condition. Last evaluated: 2025-09-22. Review status: criteria provided, single submitter. Criteria: ACMG Guidelines, 2015. Collection method: clinical testing. Allele origin: germline.
Comment: This variant is classified as likely benign based on ACMG/AMP sequence variant interpretation guidelines (Richards et al. 2015 PMID: 25741868, with internal and published modifications).